The following is an entry in ClinVar:

NC_000022.11:g.36481648_36481649insGGGA

Gene: TXN2 (thioredoxin 2; minus strand). Cytogenetic location: 22q12.3.
Variant type: Insertion.
Genome position: GRCh38 VCF-style: chr22-36481648-G-GGGGA. GRCh37 (hg19) VCF-style: chr22-36877695-G-GGGGA.
Identifiers: ClinVar variation 2653105 (VCV002653105.24), dbSNP rs35045487, ClinGen allele CA639149569.

ClinVar aggregate classification (germline): Benign (1 of 4 stars; one submission).

Submission:

CeGaT Center for Human Genetics Tuebingen
Classification: Benign. Last evaluated: 2023-05-01. Review status: criteria provided, single submitter. Criteria: CeGaT Center For Human Genetics Tuebingen Variant Classification Criteria Version 2. Collection method: clinical testing. Allele origin: germline. Affected: yes. Observed: 1 variant allele.
Comment: TXN2: BS1, BS2